The following is an entry in ClinVar:

ClinVar aggregate classification (germline): Uncertain significance (3 of 4 stars; one submission).

Conditions:
Open-angle glaucoma. Identifiers: MedGen C0017612, MONDO:0005338, HP:0012108.

Submission:

ClinGen Glaucoma Variant Curation Expert Panel
Classification: Uncertain significance for Open-angle glaucoma. Last evaluated: 2025-11-12. Review status: reviewed by expert panel. Criteria: ClinGen Glaucoma ACMG Specifications V2.0.0 Approved. Collection method: curation. Allele origin: germline. Inheritance: Autosomal dominant inheritance.
Comment: The c.14G>A variant in MYOC is a missense variant predicted to cause substitution of Cysteine by Tyrosine at amino acid 5 (p.Cys5Tyr). This variant was not found in any genetic ancestry group of gnomAD (v4.1.0), meeting the ≤ 0.0001 threshold set for PM2_Supporting in a genetic ancestry group of at least 10,000 alleles. The REVEL score = 0.044, which was within the 0.017-0.183 range for BP4_Moderate, suggesting that the variant does not impact MYOC function. There was no functional evidence predicting a damaging or benign impact of this variant on MYOC function. Only 1 proband with primary open angle glaucoma had been reported (PMID: 32476818), not meeting the ≥ 2 probands threshold required to meet PS4_Supporting. In summary, this variant met the criteria to receive a score of -1 and to be classified as a variant of uncertain significance (uncertain significance classification range -1 to 5, adapted from PMID: 32720330) for primary open angle glaucoma based on the ACMG/AMP criteria met, as specified by the ClinGen Glaucoma VCEP (v2.0.0, 5 Dec 2024): BP4_Moderate, PM2_Supporting

NM_000261.2(MYOC):c.14G>A (p.Cys5Tyr)

Gene: MYOC (myocilin; minus strand). Cytogenetic location: 1q24.3.
Variant type: single nucleotide variant.
Coding change: c.14G>A on transcript NM_000261.2 (MANE Select); coding-DNA position 14, G replaced by A.
Protein change: p.Cys5Tyr; replaces cysteine 5 with tyrosine.
Molecular consequence: missense variant.
Genome position (GRCh38, 1-based): chr1:171,652,598, C>T on the plus strand (G>A on the coding strand, the complement: MYOC is on the minus strand). VCF-style: chr1-171652598-C-T. GRCh37 (hg19) VCF-style: chr1-171621738-C-T.
Other names: NM_000261.2:c.14G>A; short protein forms C5Y.
Identifiers: ClinVar variation 2570624 (VCV002570624.2), dbSNP rs1653382849, ClinGen allele CA343720209.